The following is an entry in ClinVar:

ClinVar aggregate classification (germline): Uncertain significance (1 of 4 stars; one submission).

Submission:

GeneDx
Classification: Uncertain significance. Last evaluated: 2026-01-23. Review status: criteria provided, single submitter. Criteria: GeneDx Variant Classification Process June 2021. Collection method: clinical testing. Allele origin: germline.
Comment: Not observed at significant frequency in large population cohorts (gnomAD); Missense variants in this gene are a common cause of disease and they are underrepresented in the general population; In silico analysis suggests that this missense variant does not alter protein structure/function; Has not been previously published as pathogenic or benign to our knowledge; This variant is associated with the following publications: (PMID: 29493581)

NM_005633.4(SOS1):c.1034C>G (p.Ala345Gly)

Gene: SOS1 (SOS Ras/Rac guanine nucleotide exchange factor 1; minus strand). Cytogenetic location: 2p22.1.
Variant type: single nucleotide variant.
Coding change: c.1034C>G on transcript NM_005633.4 (MANE Select); coding-DNA position 1034, C replaced by G.
Protein change: p.Ala345Gly; replaces alanine 345 with glycine.
Molecular consequence: missense variant.
Genome position (GRCh38, 1-based): chr2:39,035,252, G>C on the plus strand (C>G on the coding strand, the complement: SOS1 is on the minus strand). VCF-style: chr2-39035252-G-C. GRCh37 (hg19) VCF-style: chr2-39262393-G-C.
Other names: c.1013C>G, p.Ala338Gly (NM_001382394.1); c.1034C>G, p.Ala345Gly (NM_001382395.1); short protein forms A338G, A345G.
Identifiers: ClinVar variation 4975322 (VCV004975322.1).